The following is an entry in ClinVar:

NM_000038.6(APC):c.7171A>G (p.Ile2391Val)

Gene: APC (APC regulator of Wnt signaling pathway; plus strand). Cytogenetic location: 5q22.2.
Variant type: single nucleotide variant.
Coding change: c.7171A>G on transcript NM_000038.6 (MANE Select); coding-DNA position 7171, A replaced by G.
Protein change: p.Ile2391Val; replaces isoleucine 2391 with valine.
Molecular consequence: missense variant.
Genome position (GRCh38, 1-based): chr5:112,842,765, A>G. VCF-style: chr5-112842765-A-G. GRCh37 (hg19) VCF-style: chr5-112178462-A-G.
Other names: c.7171A>G, p.Ile2391Val (NM_001127510.3, NM_001354895.2); c.7117A>G, p.Ile2373Val (NM_001127511.3); c.7225A>G, p.Ile2409Val (NM_001354896.2); c.7201A>G, p.Ile2401Val (NM_001354897.2); c.7096A>G, p.Ile2366Val (NM_001354898.2); c.7087A>G, p.Ile2363Val (NM_001354899.2); c.7048A>G, p.Ile2350Val (NM_001354900.2); c.6994A>G, p.Ile2332Val (NM_001354901.2); and 5 more; short protein forms I2373V, I2391V, I2108V, I2290V, I2300V, I2332V, I2363V, I2366V.
Identifiers: ClinVar variation 470082 (VCV000470082.13), dbSNP rs1554088100, ClinGen allele CA16036950.

ClinVar aggregate classification (germline): Uncertain significance. Review status: criteria provided, multiple submitters, no conflicts (2 of 4 stars). 2 submissions from 2 submitters: Uncertain significance (2). Last evaluated 2025-10-29.

Conditions:
Familial adenomatous polyposis 1 (FAP1). Also called: POLYPOSIS, ADENOMATOUS INTESTINAL; FAMILIAL ADENOMATOUS POLYPOSIS 1, ATTENUATED. Identifiers: MedGen C2713442, MONDO:0021056, OMIM 175100. Disease mechanism: loss of function.
Hereditary cancer-predisposing syndrome. Also called: Hereditary neoplastic syndrome; Neoplastic Syndromes, Hereditary; Tumor predisposition; Hereditary Cancer Syndrome. Identifiers: Orphanet 140162, MedGen C0027672, MeSH D009386, MONDO:0015356.

Submissions (2):

Labcorp Genetics (formerly Invitae), Labcorp
Classification: Uncertain significance for Familial adenomatous polyposis 1. Last evaluated: 2025-10-29. Review status: criteria provided, single submitter. Criteria: Invitae Variant Classification Sherloc (09022015). Collection method: clinical testing. Allele origin: germline.
Comment: This sequence change replaces isoleucine, which is neutral and non-polar, with valine, which is neutral and non-polar, at codon 2391 of the APC protein (p.Ile2391Val). This variant is not present in population databases (gnomAD no frequency). This variant has not been reported in the literature in individuals affected with APC-related conditions. ClinVar contains an entry for this variant (Variation ID: 470082). Invitae Evidence Modeling of protein sequence and biophysical properties (such as structural, functional, and spatial information, amino acid conservation, physicochemical variation, residue mobility, and thermodynamic stability) indicates that this missense variant is not expected to disrupt APC protein function with a negative predictive value of 95%. In summary, the available evidence is currently insufficient to determine the role of this variant in disease. Therefore, it has been classified as a Variant of Uncertain Significance.

Ambry Genetics
Classification: Uncertain significance for Hereditary cancer-predisposing syndrome. Last evaluated: 2025-05-12. Review status: criteria provided, single submitter. Criteria: Ambry Variant Classification Scheme 2023. Collection method: clinical testing. Allele origin: germline.
Comment: The p.I2391V variant (also known as c.7171A>G), located in coding exon 15 of the APC gene, results from an A to G substitution at nucleotide position 7171. The isoleucine at codon 2391 is replaced by valine, an amino acid with highly similar properties. This amino acid position is highly conserved in available vertebrate species. In addition, in silico predictors for this gene do not accurately predict pathogenicity. Missense alterations in APC are not a common cause of disease (Spier I et al. Genet Med. 2024 Feb;26(2):100992). Based on the available evidence, the clinical significance of this variant remains unclear.